The following is an entry in ClinVar:

ClinVar aggregate classification (germline): Likely benign. Review status: criteria provided, multiple submitters, no conflicts (2 of 4 stars). 7 submissions from 7 submitters: Likely benign (6). 1 of the submissions does not count toward it. Last evaluated 2026-02-01.

Conditions:
ZNF469-related disorder. Also called: ZNF469-related condition.
Cardiovascular phenotype. Identifiers: MedGen CN230736.

Allele frequency attached by ClinVar (database versions not stated): gnomAD exomes 0.00032; ExAC 0.00055; 1000 Genomes Project 0.00080; 1000 Genomes Project 30x 0.00125; gnomAD 0.00127 and 0.00137; TOPMed 0.00149.

Submissions (7):

Labcorp Genetics (formerly Invitae), Labcorp
Classification: Likely benign. Last evaluated: 2026-02-01. Review status: criteria provided, single submitter. Criteria: Invitae Variant Classification Sherloc (09022015). Collection method: clinical testing. Allele origin: germline.

Women's Health and Genetics/Laboratory Corporation of America, LabCorp
Classification: Likely benign. Last evaluated: 2025-12-15. Review status: criteria provided, single submitter. Criteria: LabCorp Variant Classification Summary - May 2015. Collection method: clinical testing. Allele origin: germline.
Comment: Variant summary: ZNF469 c.9040G>A (p.Gly3014Arg) results in a non-conservative amino acid change in the encoded protein sequence. Algorithms developed to predict the effect of missense changes on protein structure and function are either unavailable or do not agree on the potential impact of this missense change. The variant allele was found at a frequency of 0.00032 in 150974 control chromosomes, predominantly at a frequency of 0.004 within the African or African-American subpopulation in the gnomAD database. The observed variant frequency within African or African-American control individuals in the gnomAD database exceeds the estimated maximal expected allele frequency for disease-causing variants in ZNF469. To our knowledge, no occurrence of c.9040G>A in individuals affected with ZNF469-related conditions and no experimental evidence demonstrating its impact on protein function have been reported. ClinVar contains an entry for this variant (Variation ID: 808133). Based on the evidence outlined above, the variant was classified as likely benign.

Mayo Clinic Laboratories, Mayo Clinic
Classification: Likely benign. Last evaluated: 2025-02-11. Review status: criteria provided, single submitter. Criteria: ACMG Guidelines, 2015. Collection method: clinical testing. Allele origin: germline. Observed: 1 variant allele.
Comment: BS1, BP4_moderate

Ambry Genetics
Classification: Likely benign for Cardiovascular phenotype. Last evaluated: 2024-03-15. Review status: criteria provided, single submitter. Criteria: Ambry Variant Classification Scheme 2023. Collection method: clinical testing. Allele origin: germline.

GeneDx
Classification: Likely benign. Last evaluated: 2019-08-15. Review status: criteria provided, single submitter. Criteria: GeneDx Variant Classification Process June 2021. Collection method: clinical testing. Allele origin: germline. Affected: yes.

CeGaT Center for Human Genetics Tuebingen
Classification: Likely benign. Last evaluated: 2018-10-01. Review status: criteria provided, single submitter. Criteria: CeGaT Center For Human Genetics Tuebingen Variant Classification Criteria Version 2. Collection method: clinical testing. Allele origin: germline. Affected: yes. Observed: 1 variant allele.

PreventionGenetics, part of Exact Sciences
Classification: Likely benign for ZNF469-related condition. Last evaluated: 2023-06-06. Review status: no assertion criteria provided. Collection method: clinical testing. Allele origin: germline. Not counted in ClinVar's aggregate classification.
Comment: This variant is classified as likely benign based on ACMG/AMP sequence variant interpretation guidelines (Richards et al. 2015 PMID: 25741868, with internal and published modifications).

NM_001367624.2(ZNF469):c.9040G>A (p.Gly3014Arg)

Gene: ZNF469 (zinc finger protein 469; plus strand). Cytogenetic location: 16q24.2.
Variant type: single nucleotide variant.
Coding change: c.9040G>A on transcript NM_001367624.2 (MANE Select); coding-DNA position 9040, G replaced by A.
Protein change: p.Gly3014Arg; replaces glycine 3014 with arginine.
Molecular consequence: missense variant.
Genome position (GRCh38, 1-based): chr16:88,436,510, G>A. VCF-style: chr16-88436510-G-A. GRCh37 (hg19) VCF-style: chr16-88502918-G-A.
Other names: NM_001127464.1:c.8956G>A; NM_001127464.2:c.8956G>A; p.Gly3014Arg; short protein forms G3014R.
Identifiers: ClinVar variation 808133 (VCV000808133.55), dbSNP rs201438224, ClinGen allele CA8225399.
Genomic context (GRCh38, chr16:88,436,510, plus strand): 5'-CCAGCGGCTTGGCGAGGCCTGGAGATGCCGGCCCCTGCCGATGACTCCTCCTCTTCTCTC[G>A]GAGATGTGAGCCCCGAGCCCCCCAGCCTGGAGAGAGAACGCTGTGACGGTGGGCTTCCCG-3'
Protein context (NP_001354553.1, residues 3004-3024): APADDSSSSL[Gly3014Arg]DVSPEPPSLE